The following is an entry in ClinVar:

ClinVar aggregate classification (germline): Conflicting classifications of pathogenicity. Review status: criteria provided, conflicting classifications (1 of 4 stars). 5 submissions from 5 submitters: Uncertain significance (1); Benign (1); Likely benign (3). Last evaluated 2026-04-01.

Conditions:
Inborn genetic diseases. Identifiers: MedGen C0950123, MeSH D030342.

Allele frequency attached by ClinVar (database versions not stated): gnomAD exomes 0.00037 and 0.00076; ExAC 0.00093; gnomAD 0.00277 and 0.00284; ESP Exome Variant Server 0.00292; TOPMed 0.00314; 1000 Genomes Project 0.00399; 1000 Genomes Project 30x 0.00406.
gnomAD v4.1: 1,017 of 1,614,102 alleles (0.063%); highest among the groups gnomAD compares: African/African-American, 0.91%; 5 homozygotes.

Submissions (5):

CeGaT Center for Human Genetics Tuebingen
Classification: Likely benign. Last evaluated: 2026-04-01. Review status: criteria provided, single submitter. Criteria: CeGaT Center For Human Genetics Tuebingen Variant Classification Criteria Version 2. Collection method: clinical testing. Allele origin: germline. Affected: yes. Observed: 5 variant alleles.
Comment: TRAPPC9: BP4, BP7

Labcorp Genetics (formerly Invitae), Labcorp
Classification: Benign. Last evaluated: 2026-01-26. Review status: criteria provided, single submitter. Criteria: Invitae Variant Classification Sherloc (09022015). Collection method: clinical testing. Allele origin: germline.

Blueprint Genetics
Classification: Likely benign. Last evaluated: 2024-11-27. Review status: criteria provided, single submitter. Criteria: ACMG Guidelines, 2015. Collection method: clinical testing. Allele origin: germline.

Ambry Genetics
Classification: Likely benign for Inborn genetic diseases. Last evaluated: 2016-06-01. Review status: criteria provided, single submitter. Criteria: Ambry Variant Classification Scheme 2023. Collection method: clinical testing. Allele origin: germline.

Genetic Services Laboratory, University of Chicago
Classification: Uncertain significance. Last evaluated: 2015-02-04. Review status: criteria provided, single submitter. Criteria: ACMG Guidelines, 2015. Collection method: clinical testing. Allele origin: germline.

NM_001160372.4(TRAPPC9):c.588T>C (p.His196=)

Gene: TRAPPC9 (trafficking protein particle complex subunit 9; minus strand). Cytogenetic location: 8q24.3.
Variant type: single nucleotide variant.
Coding change: c.588T>C on transcript NM_001160372.4 (MANE Select); coding-DNA position 588, T replaced by C.
Protein change: p.His196=; no amino-acid change (histidine 196 retained).
Molecular consequence: synonymous variant. On other transcripts: non-coding transcript variant (1).
Genome position (GRCh38, 1-based): chr8:140,439,194, A>G on the plus strand (T>C on the coding strand, the complement: TRAPPC9 is on the minus strand). VCF-style: chr8-140439194-A-G. GRCh37 (hg19) VCF-style: chr8-141449293-A-G.
Other names: c.588T>C, p.His196= (NM_001321646.2, NM_001374683.1, NM_001374684.1 and 1 more transcripts); c.609T>C, p.His203= (NM_001374682.1).
Identifiers: ClinVar variation 212438 (VCV000212438.47), dbSNP rs61736350, ClinGen allele CA209254.